The following is an entry in ClinVar:

ClinVar aggregate classification (germline): Uncertain significance. Review status: criteria provided, multiple submitters, no conflicts (2 of 4 stars). 5 submissions from 5 submitters: Uncertain significance (5). Last evaluated 2026-02-18.

Conditions:
RECQL4-related disorder. Also called: RECQL4-related disorders; RECQL4-related condition.
Baller-Gerold syndrome (BGS). Also called: CRANIOSYNOSTOSIS WITH RADIAL DEFECTS. Identifiers: Orphanet 1225, MedGen C0265308, MONDO:0009039, OMIM 218600.
Rothmund-Thomson syndrome type 2 (RTS2). Identifiers: Orphanet 221016, MedGen C5203410, MONDO:0016369, OMIM 268400.
Inborn genetic diseases. Identifiers: MedGen C0950123, MeSH D030342.

Allele frequency attached by ClinVar (database versions not stated): gnomAD 0.00001; TOPMed 0.00005.
gnomAD v4.1: 4 of 1,610,446 alleles (0.00025%); highest among the groups gnomAD compares: African/African-American, 0.004%; no homozygotes.

Submissions (5):

GeneDx
Classification: Uncertain significance. Last evaluated: 2026-02-18. Review status: criteria provided, single submitter. Criteria: GeneDx Variant Classification Process June 2021. Collection method: clinical testing. Allele origin: germline.
Comment: In silico analysis suggests that this missense variant does not alter protein structure/function; Has not been previously published as pathogenic or benign to our knowledge

St. Jude Molecular Pathology, St. Jude Children's Research Hospital
Classification: Uncertain significance for Rothmund-Thomson syndrome type 2. Last evaluated: 2026-02-11. Review status: criteria provided, single submitter. Criteria: St. Jude Assertion Criteria 2020. Collection method: clinical testing. Allele origin: germline.
Comment: The RECQL4 c.490G>A p.(Glu164Lys) missense change has a maximum subpopulation frequency of 0.008% in gnomAD v2.1.1. In silico tools predict a benign effect of this variant on protein function, but to our knowledge this prediction has not been confirmed by functional studies. To our knowledge, this variant has not been reported in individuals with RECQL4-associated conditions. In summary, the evidence currently available is insufficient to determine the clinical significance of this variant. It has therefore been classified as of uncertain significance.

Labcorp Genetics (formerly Invitae), Labcorp
Classification: Uncertain significance for Baller-Gerold syndrome. Last evaluated: 2025-03-18. Review status: criteria provided, single submitter. Criteria: Invitae Variant Classification Sherloc (09022015). Collection method: clinical testing. Allele origin: germline.
Comment: This sequence change replaces glutamic acid, which is acidic and polar, with lysine, which is basic and polar, at codon 164 of the RECQL4 protein (p.Glu164Lys). This variant is present in population databases (rs576735078, gnomAD 0.009%). This variant has not been reported in the literature in individuals affected with RECQL4-related conditions. ClinVar contains an entry for this variant (Variation ID: 841053). Experimental studies and prediction algorithms are not available or were not evaluated, and the functional significance of this variant is currently unknown. In summary, the available evidence is currently insufficient to determine the role of this variant in disease. Therefore, it has been classified as a Variant of Uncertain Significance.

Ambry Genetics
Classification: Uncertain significance for Inborn genetic diseases. Last evaluated: 2024-12-25. Review status: criteria provided, single submitter. Criteria: Ambry Variant Classification Scheme 2023. Collection method: clinical testing. Allele origin: germline.
Comment: The p.E164K variant (also known as c.490G>A), located in coding exon 5 of the RECQL4 gene, results from a G to A substitution at nucleotide position 490. The glutamic acid at codon 164 is replaced by lysine, an amino acid with similar properties. This amino acid position is conserved. In addition, this alteration is predicted to be tolerated by in silico analysis. Based on the available evidence, the clinical significance of this variant remains unclear.

PreventionGenetics, part of Exact Sciences
Classification: Uncertain significance for RECQL4-related condition. Last evaluated: 2023-04-28. Review status: criteria provided, single submitter. Criteria: ACMG Guidelines, 2015. Collection method: clinical testing. Allele origin: germline.
Comment: The RECQL4 c.490G>A variant is predicted to result in the amino acid substitution p.Glu164Lys. To our knowledge, this variant has not been reported in the literature. This variant is reported in 0.0085% of alleles in individuals of African descent in gnomAD. At this time, the clinical significance of this variant is uncertain due to the absence of conclusive functional and genetic evidence.

NM_004260.4(RECQL4):c.490G>A (p.Glu164Lys)

Gene: RECQL4 (RecQ like helicase 4; minus strand). Cytogenetic location: 8q24.3.
Variant type: single nucleotide variant.
Coding change: c.490G>A on transcript NM_004260.4 (MANE Select); coding-DNA position 490, G replaced by A.
Protein change: p.Glu164Lys; replaces glutamic acid 164 with lysine.
Molecular consequence: missense variant.
Genome position (GRCh38, 1-based): chr8:144,516,629, C>T on the plus strand (G>A on the coding strand, the complement: RECQL4 is on the minus strand). VCF-style: chr8-144516629-C-T. GRCh37 (hg19) VCF-style: chr8-145742013-C-T.
Other names: short protein forms E164K.
Identifiers: ClinVar variation 841053 (VCV000841053.10), dbSNP rs576735078, ClinGen allele CA4949277.